The following is an entry in ClinVar:

NM_001371986.1(UNC80):c.9643G>A (p.Glu3215Lys)

Gene: UNC80 (unc-80 homolog, NALCN channel complex subunit; plus strand). Cytogenetic location: 2q34.
Variant type: single nucleotide variant.
Coding change: c.9643G>A on transcript NM_001371986.1 (MANE Select); coding-DNA position 9643, G replaced by A.
Protein change: p.Glu3215Lys; replaces glutamic acid 3215 with lysine.
Molecular consequence: missense variant.
Genome position (GRCh38, 1-based): chr2:209,994,199, G>A. VCF-style: chr2-209994199-G-A. GRCh37 (hg19) VCF-style: chr2-210858923-G-A.
Other names: c.9445G>A, p.Glu3149Lys (NM_032504.2); c.9373G>A, p.Glu3125Lys (NM_182587.4); c.9445G>A (NM_032504.1); short protein forms E3149K, E3125K, E3215K.
Identifiers: ClinVar variation 1509353 (VCV001509353.7), dbSNP rs982121969, ClinGen allele CA64665468.

ClinVar aggregate classification (germline): Conflicting classifications of pathogenicity. Review status: criteria provided, conflicting classifications (1 of 4 stars). 2 submissions from 2 submitters: Uncertain significance (1); Likely benign (1). Last evaluated 2025-02-08.

Conditions:
Inborn genetic diseases. Identifiers: MedGen C0950123, MeSH D030342.

Allele frequency attached by ClinVar (database versions not stated): gnomAD 0.00001 and 0.00002; gnomAD exomes 0.00001; TOPMed 0.00005.
gnomAD v4.1: 15 of 1,551,184 alleles (0.00097%); highest among the groups gnomAD compares: Admixed American, 0.0039%; no homozygotes.

Submissions (2):

Ambry Genetics
Classification: Likely benign for Inborn genetic diseases. Last evaluated: 2025-02-08. Review status: criteria provided, single submitter. Criteria: Ambry Variant Classification Scheme 2023. Collection method: clinical testing. Allele origin: germline.

Labcorp Genetics (formerly Invitae), Labcorp
Classification: Uncertain significance. Last evaluated: 2022-07-14. Review status: criteria provided, single submitter. Criteria: Invitae Variant Classification Sherloc (09022015). Collection method: clinical testing. Allele origin: germline.
Comment: This sequence change replaces glutamic acid, which is acidic and polar, with lysine, which is basic and polar, at codon 3149 of the UNC80 protein (p.Glu3149Lys). This variant is present in population databases (no rsID available, gnomAD 0.002%). This variant has not been reported in the literature in individuals affected with UNC80-related conditions. ClinVar contains an entry for this variant (Variation ID: 1509353). Algorithms developed to predict the effect of missense changes on protein structure and function output the following: SIFT: "Not Available"; PolyPhen-2: "Benign"; Align-GVGD: "Not Available". The lysine amino acid residue is found in multiple mammalian species, which suggests that this missense change does not adversely affect protein function. In summary, the available evidence is currently insufficient to determine the role of this variant in disease. Therefore, it has been classified as a Variant of Uncertain Significance.